The following is an entry in ClinVar:

NM_006031.6(PCNT):c.5424_5510del (p.Asp1808_Ala1836del)

Gene: PCNT (pericentrin; plus strand). Cytogenetic location: 21q22.3.
Variant type: Deletion.
Coding change: c.5424_5510del on transcript NM_006031.6 (MANE Select); coding-DNA positions 5424 to 5510, 87 bases deleted.
Protein change: p.Asp1808_Ala1836del.
Molecular consequence: inframe deletion.
Genome position (GRCh38, 1-based): chr21:46,411,497-46,411,583, 87 bases deleted. GRCh37 (hg19): chr21:47,831,411-47,831,497.
Other names: c.5424_5510del87 (NM_006031.5); c.5070_5156del, p.Asp1690_Ala1718del (NM_001315529.2).
Identifiers: ClinVar variation 2078683 (VCV002078683.3), dbSNP rs1569268603, ClinGen allele CA10079979.

ClinVar aggregate classification (germline): Uncertain significance. Review status: criteria provided, single submitter (1 of 4 stars). 2 submissions from 2 submitters: Uncertain significance (1). 1 of the submissions does not count toward it. Last evaluated 2025-11-17.

Conditions:
PCNT-related disorder. Also called: PCNT-related condition.

Submissions (2):

Labcorp Genetics (formerly Invitae), Labcorp
Classification: Uncertain significance. Last evaluated: 2025-11-17. Review status: criteria provided, single submitter. Criteria: Invitae Variant Classification Sherloc (09022015). Collection method: clinical testing. Allele origin: germline.
Comment: This variant, c.5424_5510del, results in the deletion of 29 amino acid(s) of the PCNT protein (p.Asp1808_Ala1836del), but otherwise preserves the integrity of the reading frame. This variant is present in population databases (no rsID available, gnomAD 0.009%). This variant has not been reported in the literature in individuals affected with PCNT-related conditions. ClinVar contains an entry for this variant (Variation ID: 2078683). Experimental studies and prediction algorithms are not available or were not evaluated, and the functional significance of this variant is currently unknown. In summary, the available evidence is currently insufficient to determine the role of this variant in disease. Therefore, it has been classified as a Variant of Uncertain Significance.

PreventionGenetics, part of Exact Sciences
Classification: Uncertain significance for PCNT-related condition. Last evaluated: 2024-09-13. Review status: no assertion criteria provided. Collection method: clinical testing. Allele origin: germline. Not counted in ClinVar's aggregate classification.
Comment: The PCNT c.5424_5510del87 variant is predicted to result in an in-frame deletion (p.Asp1808_Ala1836del). To our knowledge, this variant has not been reported in the literature. This variant is reported in 0.0089% of alleles in individuals of African descent in gnomAD. At this time, the clinical significance of this variant is uncertain due to the absence of conclusive functional and genetic evidence.